The following is an entry in ClinVar:

NM_020232.5(PSMG2):c.584G>A (p.Cys195Tyr)

Gene: PSMG2 (proteasome assembly chaperone 2; plus strand). Cytogenetic location: 18p11.21.
Variant type: single nucleotide variant.
Coding change: c.584G>A on transcript NM_020232.5 (MANE Select); coding-DNA position 584, G replaced by A.
Protein change: p.Cys195Tyr; replaces cysteine 195 with tyrosine.
Molecular consequence: missense variant.
Genome position (GRCh38, 1-based): chr18:12,724,501, G>A. VCF-style: chr18-12724501-G-A. GRCh37 (hg19) VCF-style: chr18-12724500-G-A.
Other names: c.491G>A, p.Cys164Tyr (NM_147163.2); short protein forms C164Y, C195Y.
Identifiers: ClinVar variation 2413270 (VCV002413270.6), dbSNP rs751911308, ClinGen allele CA8898461.

ClinVar aggregate classification (germline): Uncertain significance (1 of 4 stars; one submission).

Allele frequency attached by ClinVar (database versions not stated): gnomAD exomes below 0.00001; ExAC 0.00001.

Submission:

Labcorp Genetics (formerly Invitae), Labcorp
Classification: Uncertain significance. Last evaluated: 2024-03-11. Review status: criteria provided, single submitter. Criteria: Invitae Variant Classification Sherloc (09022015). Collection method: clinical testing. Allele origin: germline.
Comment: This sequence change replaces cysteine, which is neutral and slightly polar, with tyrosine, which is neutral and polar, at codon 195 of the PSMG2 protein (p.Cys195Tyr). The frequency data for this variant in the population databases is considered unreliable, as metrics indicate poor data quality at this position in the gnomAD database. This variant has not been reported in the literature in individuals affected with PSMG2-related conditions. ClinVar contains an entry for this variant (Variation ID: 2413270). An algorithm developed to predict the effect of missense changes on protein structure and function (PolyPhen-2) suggests that this variant is likely to be disruptive. In summary, the available evidence is currently insufficient to determine the role of this variant in disease. Therefore, it has been classified as a Variant of Uncertain Significance.